The following is an entry in ClinVar:

ClinVar aggregate classification (germline): Pathogenic. Review status: criteria provided, multiple submitters, no conflicts (2 of 4 stars). 2 submissions from 2 submitters: Pathogenic (2). Last evaluated 2024-05-08.

Conditions:
Duchenne muscular dystrophy (DMD). Also called: Duchenne Muscular Dystrophy (DMD); MUSCULAR DYSTROPHY, PSEUDOHYPERTROPHIC PROGRESSIVE, DUCHENNE TYPE. Identifiers: Orphanet 98896, MedGen C0013264, MONDO:0010679, OMIM 310200.
Progressive muscular dystrophy. Identifiers: Orphanet 206644, MedGen C4551827, MONDO:0016106.

Submissions (2):

Myriad Genetics, Inc.
Classification: Pathogenic for Progressive muscular dystrophy. Last evaluated: 2024-05-08. Review status: criteria provided, single submitter. Criteria: Myriad Autosomal Dominant, Autosomal Recessive and X-Linked Classification Criteria (2023). Collection method: clinical testing. Allele origin: unknown.
Comment: NM_004006.2(DMD):c.4684A>T(R1562*) is expected to be pathogenic in the context of dystrophinopathy (including Duchenne/Becker muscular dystrophy). This variant is predicted to lead to an abnormal or absent protein product due to the creation of a premature termination codon in DMD, a gene where loss-of-function variants are known to be pathogenic. Please note: this variant was assessed in the context of healthy population screening.

Mendelics
Classification: Pathogenic for Duchenne muscular dystrophy. Last evaluated: 2019-05-28. Review status: criteria provided, single submitter. Criteria: Mendelics Assertion Criteria 2017. Collection method: clinical testing. Allele origin: unknown.

NM_004006.3(DMD):c.4684A>T (p.Arg1562Ter)

Gene: DMD (dystrophin; minus strand). Cytogenetic location: Xp21.1.
Variant type: single nucleotide variant.
Coding change: c.4684A>T on transcript NM_004006.3 (MANE Select); coding-DNA position 4684, A replaced by T.
Protein change: p.Arg1562Ter; replaces arginine 1562 with a stop codon.
Molecular consequence: nonsense.
Genome position (GRCh38, 1-based): chrX:32,380,671, T>A on the plus strand (A>T on the coding strand, the complement: DMD is on the minus strand). VCF-style: chrX-32380671-T-A. GRCh37 (hg19) VCF-style: chrX-32398788-T-A.
Other names: c.4660A>T, p.Arg1554Ter (NM_000109.4); c.4672A>T, p.Arg1558Ter (NM_004009.3); c.4315A>T, p.Arg1439Ter (NM_004010.3); c.661A>T, p.Arg221Ter (NM_004011.4); c.652A>T, p.Arg218Ter (NM_004012.4); short protein forms R1558*, R218*, R221*, R1439*, R1554*, R1562*.
Identifiers: ClinVar variation 803870 (VCV000803870.2), dbSNP rs771425504, ClinGen allele CA412661652.